The following is an entry in ClinVar:

NM_000441.2(SLC26A4):c.556G>T (p.Val186Phe)

Gene: SLC26A4 (solute carrier family 26 member 4; plus strand). Cytogenetic location: 7q22.3.
Variant type: single nucleotide variant.
Coding change: c.556G>T on transcript NM_000441.2 (MANE Select); coding-DNA position 556, G replaced by T.
Protein change: p.Val186Phe; replaces valine 186 with phenylalanine.
Molecular consequence: missense variant.
Genome position (GRCh38, 1-based): chr7:107,674,304, G>T. VCF-style: chr7-107674304-G-T. GRCh37 (hg19) VCF-style: chr7-107314749-G-T.
Other names: short protein forms V186F.
Identifiers: ClinVar variation 556671 (VCV000556671.20), dbSNP rs760040670, ClinGen allele CA4432505.

ClinVar aggregate classification (germline): Conflicting classifications of pathogenicity. Review status: criteria provided, conflicting classifications (1 of 4 stars). 9 submissions from 8 submitters: Pathogenic (1); Likely pathogenic (3); Uncertain significance (3). 2 of the submissions do not count toward it. Last evaluated 2026-08-25.

Conditions:
Autosomal recessive nonsyndromic hearing loss 4 (DFNB4). Also called: Enlarged vestibular aqueduct, digenic; Nonsyndromic enlarged vestibular aqueduct (NSEVA); Deafness, autosomal recessive 4, with enlarged vestibular aqueduct; Deafness, autosomal recessive 4; FOXI1-Related Pendred Syndrome; KCNJ10-Related Pendred Syndrome. Identifiers: Orphanet 90636, MedGen C3538946, MONDO:0010933, OMIM 600791.
SLC26A4-related disorder. Also called: SLC26A4-related condition; SLC26A4-related disorders.
Pendred syndrome (PDS). Also called: Pendred's syndrome; Pendred Syndrome (PDS); DEAFNESS WITH GOITER; GOITER-DEAFNESS SYNDROME; HYPOTHYROIDISM, CONGENITAL, DUE TO DYSHORMONOGENESIS, 2B; THYROID DYSHORMONOGENESIS 2B. Identifiers: Orphanet 705, MedGen C0271829, MONDO:0010134, OMIM 274600.

Allele frequency attached by ClinVar (database versions not stated): gnomAD exomes 0.00001; ExAC 0.00002; gnomAD 0.00002; TOPMed 0.00002.
gnomAD v4.1: 13 of 1,613,892 alleles (0.00081%); highest among the groups gnomAD compares: African/African-American, 0.0013%; no homozygotes.

Submissions (9):

PreventionGenetics, part of Exact Sciences
Classification: Uncertain significance for SLC26A4-related condition. Last evaluated: 2026-08-25. Review status: criteria provided, single submitter. Criteria: ACMG Guidelines, 2015. Collection method: clinical testing. Allele origin: germline.
Comment: The SLC26A4 c.556G>T variant is predicted to result in the amino acid substitution p.Val186Phe. However, the splicing variant (IVS20-2A>G; c.2320-2A>G) occurs at the splice acceptor site of the last exon and no truncating variants have been established as pathogenic downstream of this position. This variant was also observed in two siblings with severe to profound hearing loss along with a pathogenic variant with unknown phase (Internal data, PreventionGenetics). This variant is listed in ClinVar with interpretations ranging from uncertain to pathogenic (Variation ID: 556671). Multiple in vitro functional studies show that this variant impairs protein function (minimal or undetectable anion transport activity) and the protein fails to localize to the cell membrane (Muskett et al. 2016. PubMed ID: 26485571; Wasano et al. 2019. PubMed ID: 31599023; Takahashi et al. 2024. PubMed ID: 38474007). This variant is reported in 0.0018% of alleles in individuals of European (Non-Finnish) descent in gnomAD. Although we suspect that this variant may be pathogenic, at this time the clinical significance of this variant is uncertain due to the absence of conclusive functional and genetic evidence.

GeneDx
Classification: Likely pathogenic. Last evaluated: 2026-02-03. Review status: criteria provided, single submitter. Criteria: GeneDx Variant Classification Process June 2021. Collection method: clinical testing. Allele origin: germline.
Comment: Published functional studies suggest a damaging effect on protein localization to the plasma membrane (PMID: 31599023); Not observed at significant frequency in large population cohorts (gnomAD); In silico analysis supports that this missense variant has a deleterious effect on protein structure/function; This variant is associated with the following publications: (PMID: 38474007, 26485571, 31599023)

Women's Health and Genetics/Laboratory Corporation of America, LabCorp
Classification: Likely pathogenic for Pendred syndrome. Last evaluated: 2025-09-05. Review status: criteria provided, single submitter. Criteria: LabCorp Variant Classification Summary - May 2015. Collection method: clinical testing. Allele origin: germline.
Comment: Variant summary: SLC26A4 c.556G>T (p.Val186Phe) results in a non-conservative amino acid change located in the SLC26A/SulP transporter domain of the encoded protein sequence. Algorithms developed to predict the effect of missense changes on protein structure and function all suggest that this variant is likely to be disruptive. The variant allele was found at a frequency of 8e-06 in 251458 control chromosomes. c.556G>T has been reported in at-least one individual with hearing loss who carries a pathogenic variant in trans (LCG internal data) and in the literature in a family affected with hearing loss and enlargement of the vestibular aqueduct (Muskett_2016). In this family, two affected individuals carried the variant along with a second mutation, while one unaffected family member also carried the variant of interest along with a second mutation. These data do not allow any conclusion about variant significance. At least one publication reports experimental evidence evaluating an impact on protein function. Specifically, in experimental studies, the variant failed to traffic to the plasma membrane of COS-7 cells and exhibited minimal or undetectable anion transport activity in Xenopus oocytes as measured by either unidirectional 36Cl- influx or by 36Cl- efflux under conditions of Cl-/HCO3- exchange or Cl-/I- exchange (Muskett_2016). The following publications have been ascertained in the context of this evaluation (PMID: 26485571, 38474007, 31599023). ClinVar contains an entry for this variant (Variation ID: 556671). Based on the evidence outlined above, the variant was classified as likely pathogenic.

Labcorp Genetics (formerly Invitae), Labcorp
Classification: Pathogenic. Last evaluated: 2025-05-05. Review status: criteria provided, single submitter. Criteria: Invitae Variant Classification Sherloc (09022015). Collection method: clinical testing. Allele origin: germline.
Comment: This sequence change replaces valine, which is neutral and non-polar, with phenylalanine, which is neutral and non-polar, at codon 186 of the SLC26A4 protein (p.Val186Phe). This variant is present in population databases (rs760040670, gnomAD 0.003%). This missense change has been observed in individual(s) with deafness (PMID: 26485571; internal data). In at least one individual the data is consistent with being in trans (on the opposite chromosome) from a pathogenic variant. It has also been observed to segregate with disease in related individuals. ClinVar contains an entry for this variant (Variation ID: 556671). Invitae Evidence Modeling of protein sequence and biophysical properties (such as structural, functional, and spatial information, amino acid conservation, physicochemical variation, residue mobility, and thermodynamic stability) indicates that this missense variant is expected to disrupt SLC26A4 protein function with a positive predictive value of 80%. Experimental studies have shown that this missense change affects SLC26A4 function (PMID: 26485571, 31599023). For these reasons, this variant has been classified as Pathogenic.

Genome-Nilou Lab
Classification: Uncertain significance for Autosomal recessive nonsyndromic hearing loss 4. Last evaluated: 2021-09-05. Review status: criteria provided, single submitter. Criteria: ACMG Guidelines, 2015. Collection method: clinical testing. Allele origin: germline. Affected: no.

Genome-Nilou Lab
Classification: Uncertain significance for Pendred syndrome. Last evaluated: 2021-09-05. Review status: criteria provided, single submitter. Criteria: ACMG Guidelines, 2015. Collection method: clinical testing. Allele origin: germline. Affected: no.

Genetic Services Laboratory, University of Chicago
Classification: Likely pathogenic. Last evaluated: 2018-03-30. Review status: criteria provided, single submitter. Criteria: ACMG Guidelines, 2015. Collection method: clinical testing. Allele origin: germline. Affected: yes.

National Institute of Sensory Organs, National Hospital Organization Tokyo Medical Center
Classification: Affects for Autosomal recessive nonsyndromic hearing loss 4. Last evaluated: 2019-08-20. Review status: no assertion criteria provided. Collection method: literature only, in vitro. Allele origin: germline. Inheritance: Autosomal recessive inheritance. Affected: yes. Functional consequence: loss_of_function_variant. Not counted in ClinVar's aggregate classification.
Comment: in vitro experiment

Counsyl
Classification: Uncertain significance for Pendred syndrome. Last evaluated: 2018-02-13. Review status: no assertion criteria provided. Collection method: clinical testing. Allele origin: unknown. Not counted in ClinVar's aggregate classification.

Literature cited by the submitters: PubMed 31599023 (cited by 3 submitters); PubMed 26485571 (cited by 4 submitters); PubMed 38474007 (cited by Women's Health and Genetics/Laboratory Corporation of America, LabCorp).